The following is an entry in ClinVar:

ClinVar aggregate classification (germline): Uncertain significance (1 of 4 stars; one submission).

Conditions:
Anophthalmia/microphthalmia-esophageal atresia syndrome (MCOPS3). Also called: AEG SYNDROME; SOX2 Disorder; MICROPHTHALMIA AND ESOPHAGEAL ATRESIA SYNDROME. Identifiers: Orphanet 77298, MedGen C1859773, MONDO:0008799, OMIM 206900.

Allele frequency attached by ClinVar (database versions not stated): gnomAD exomes below 0.00001; gnomAD 0.00001; TOPMed 0.00001.
gnomAD v4.1: 2 of 1,608,614 alleles (0.00012%); highest among the groups gnomAD compares: African/African-American, 0.0027%; no homozygotes.

Submission:

Labcorp Genetics (formerly Invitae), Labcorp
Classification: Uncertain significance for Anophthalmia/microphthalmia-esophageal atresia syndrome. Last evaluated: 2023-06-20. Review status: criteria provided, single submitter. Criteria: Invitae Variant Classification Sherloc (09022015). Collection method: clinical testing. Allele origin: germline.
Comment: Advanced modeling of protein sequence and biophysical properties (such as structural, functional, and spatial information, amino acid conservation, physicochemical variation, residue mobility, and thermodynamic stability) performed at Invitae indicates that this missense variant is not expected to disrupt SOX2 protein function. In summary, the available evidence is currently insufficient to determine the role of this variant in disease. Therefore, it has been classified as a Variant of Uncertain Significance. This variant has not been reported in the literature in individuals affected with SOX2-related conditions. This variant is present in population databases (no rsID available, gnomAD 0.009%). This sequence change replaces glycine, which is neutral and non-polar, with aspartic acid, which is acidic and polar, at codon 169 of the SOX2 protein (p.Gly169Asp).

NM_003106.4(SOX2):c.506G>A (p.Gly169Asp)

Genes: SOX2 (SRY-box transcription factor 2; plus strand), SOX2-OT (SOX2 overlapping transcript; plus strand), LOC108281177 (SOX2 5' regulatory region; plus strand). Cytogenetic location: 3q26.33.
Variant type: single nucleotide variant.
Coding change: c.506G>A on transcript NM_003106.4 (MANE Select); coding-DNA position 506, G replaced by A.
Protein change: p.Gly169Asp; replaces glycine 169 with aspartic acid.
Molecular consequence: missense variant.
Genome position (GRCh38, 1-based): chr3:181,712,866, G>A. VCF-style: chr3-181712866-G-A. GRCh37 (hg19) VCF-style: chr3-181430654-G-A.
Other names: short protein forms G169D.
Identifiers: ClinVar variation 2726498 (VCV002726498.3), dbSNP rs942268696, ClinGen allele CA89241889.